The following is an entry in ClinVar:

ClinVar aggregate classification (germline): Uncertain significance (1 of 4 stars; one submission).

Conditions:
Cardiovascular phenotype. Identifiers: MedGen CN230736.

Allele frequency attached by ClinVar (database versions not stated): gnomAD exomes below 0.00001; gnomAD 0.00001.
gnomAD v4.1: 5 of 1,613,806 alleles (0.00031%); highest among the groups gnomAD compares: South Asian, 0.0011%; no homozygotes.

Submission:

Ambry Genetics
Classification: Uncertain significance for Cardiovascular phenotype. Last evaluated: 2023-04-18. Review status: criteria provided, single submitter. Criteria: Ambry Variant Classification Scheme 2023. Collection method: clinical testing. Allele origin: germline.
Comment: The p.A117S variant (also known as c.349G>T), located in coding exon 3 of the TBX5 gene, results from a G to T substitution at nucleotide position 349. The alanine at codon 117 is replaced by serine, an amino acid with similar properties. This amino acid position is highly conserved in available vertebrate species. In addition, the in silico prediction for this alteration is inconclusive. Since supporting evidence is limited at this time, the clinical significance of this alteration remains unclear.

NM_181486.4(TBX5):c.349G>T (p.Ala117Ser)

Gene: TBX5 (T-box transcription factor 5; minus strand). Cytogenetic location: 12q24.21.
Variant type: single nucleotide variant.
Coding change: c.349G>T on transcript NM_181486.4 (MANE Select); coding-DNA position 349, G replaced by T.
Protein change: p.Ala117Ser; replaces alanine 117 with serine.
Molecular consequence: missense variant.
Genome position (GRCh38, 1-based): chr12:114,399,526, C>A on the plus strand (G>T on the coding strand, the complement: TBX5 is on the minus strand). VCF-style: chr12-114399526-C-A. GRCh37 (hg19) VCF-style: chr12-114837331-C-A.
Other names: c.349G>T, p.Ala117Ser (NM_000192.3); c.199G>T, p.Ala67Ser (NM_080717.4); short protein forms A67S, A117S.
Identifiers: ClinVar variation 2563129 (VCV002563129.2), dbSNP rs1871661412, ClinGen allele CA386862499.
Genomic context (GRCh38, chr12:114,399,526, plus strand): 5'-GTTCCACTTTTCTCTCTCCCCGCTCCACCTGCCACCCCAGTGCCTACCATTTATTATCTG[C>A]GAATTTGTATCTGTGATCGTCGGCAGGTACAATGTCCATGAGAAGAATGTACTTCGTTTT-3'
Protein context (NP_852259.1, residues 107-127): VPADDHRYKF[Ala117Ser]DNKWSVTGKA